The following is an entry in ClinVar:

NM_133372.3(FNIP1):c.2753_2756del (p.Lys918fs)

Gene: FNIP1 (folliculin interacting protein 1; minus strand). Cytogenetic location: 5q31.1.
Variant type: Deletion.
Coding change: c.2753_2756del on transcript NM_133372.3 (MANE Select); coding-DNA positions 2753 to 2756, 4 bases deleted (AAGA; older notation c.2753_2756delAAGA).
Protein change: p.Lys918fs; shifts the reading frame from lysine 918.
Molecular consequence: frameshift variant.
Genome position (GRCh38, 1-based): chr5:131,671,688-131,671,691, TCTT deleted on the plus strand (AAGA on the coding strand, the reverse complement: FNIP1 is on the minus strand); deleting any 4 consecutive bases within chr5:131,671,688-131,671,692 gives the same sequence; the c. name uses the placement nearest the transcript's 3' end. VCF-style (leftmost placement, unchanged base first): chr5-131671687-CTCTT-C. GRCh37 (hg19) VCF-style: chr5-131007380-CTCTT-C.
Other names: c.2669_2672del, p.Lys890fs (NM_001008738.3); c.2618_2621del, p.Lys873fs (NM_001346114.2); short protein forms K873fs, K890fs, K918fs.
Identifiers: ClinVar variation 487638 (VCV000487638.1), dbSNP rs1554092867, ClinGen allele CA658796635.

ClinVar aggregate classification (germline): Uncertain significance (0 of 4 stars; one submission).

Conditions:
Wolff-Parkinson-White pattern. Also called: WPW SYNDROME; Auriculoventricular accessory pathway syndrome; False bundle branch block syndrome; Anomalous ventricular excitation syndrome. Identifiers: MedGen C0043202, MONDO:0008685, OMIM 194200, HP:0001716.

Submission:

Lupski Lab, Baylor-Hopkins CMG, Baylor College of Medicine
Classification: Uncertain significance for Wolff-Parkinson-White pattern. Last evaluated: 2017-07-14. Review status: no assertion criteria provided. Collection method: research. Allele origin: de novo. Affected: yes. Observed: 1 variant allele. Study: Candidate_variants_in_patients_with_ Wolff-Parkinson-White Syndrome.